The following is an entry in ClinVar:

NM_054012.4(ASS1):c.364-6T>C

Gene: ASS1 (argininosuccinate synthase 1; plus strand). Cytogenetic location: 9q34.11.
Variant type: single nucleotide variant.
Coding change: c.364-6T>C on transcript NM_054012.4 (MANE Select); 6 bases into the intron before coding-DNA position 364, T replaced by C.
Molecular consequence: intron variant.
Genome position (GRCh38, 1-based): chr9:130,464,105, T>C. VCF-style: chr9-130464105-T-C. GRCh37 (hg19) VCF-style: chr9-133339492-T-C.
Other names: c.364-6T>C (NM_000050.4).
Identifiers: ClinVar variation 254745 (VCV000254745.28), dbSNP rs116103138, ClinGen allele CA5283257.

ClinVar aggregate classification (germline): Benign/Likely benign. Review status: criteria provided, multiple submitters, no conflicts (2 of 4 stars). 6 submissions from 6 submitters: Benign (4); Likely benign (1). 1 of the submissions does not count toward it. Last evaluated 2026-02-01.

Conditions:
Citrullinemia. Identifiers: Orphanet 187, MedGen C0175683, MONDO:0015991.
Citrullinemia type I (CTNL1). Also called: ASS DEFICIENCY; argininosuccinate synthetase deficiency. Identifiers: Orphanet 247525, MedGen C4721769, MONDO:0008988, OMIM 215700.

Allele frequency attached by ClinVar (database versions not stated): gnomAD exomes 0.00106 and 0.00262; ExAC 0.00300; ESP Exome Variant Server 0.00823; gnomAD 0.00829 and 0.00881; TOPMed 0.00958; 1000 Genomes Project 0.01338; 1000 Genomes Project 30x 0.01421.
gnomAD v4.1: 2,887 of 1,613,974 alleles (0.18%); highest among the groups gnomAD compares: African/African-American, 2.9%; 34 homozygotes.

Submissions (6):

Labcorp Genetics (formerly Invitae), Labcorp
Classification: Benign for Citrullinemia. Last evaluated: 2026-02-01. Review status: criteria provided, single submitter. Criteria: Invitae Variant Classification Sherloc (09022015). Collection method: clinical testing. Allele origin: germline.

ARUP Laboratories, Molecular Genetics and Genomics, ARUP Laboratories
Classification: Benign for Citrullinemia type I. Last evaluated: 2023-08-07. Review status: criteria provided, single submitter. Criteria: ARUP Molecular Germline Variant Investigation Process 2024. Collection method: clinical testing. Allele origin: germline.

Illumina Laboratory Services, Illumina
Classification: Likely benign for Citrullinemia type I. Last evaluated: 2017-04-27. Review status: criteria provided, single submitter. Criteria: ICSL Variant Classification Criteria 13 December 2019. Collection method: clinical testing. Allele origin: germline.
Comment: This variant was observed as part of a predisposition screen in an ostensibly healthy population. A literature search was performed for the gene, cDNA change, and amino acid change (where applicable). No publications were found based on this search. Allele frequency data from public databases allowed determination this variant is unlikely to cause disease. Therefore, this variant is classified as likely benign.

GeneDx
Classification: Benign. Last evaluated: 2016-06-22. Review status: criteria provided, single submitter. Criteria: GeneDx Variant Classification (06012015). Collection method: clinical testing. Allele origin: germline. Affected: yes.
Comment: This variant is considered likely benign or benign based on one or more of the following criteria: it is a conservative change, it occurs at a poorly conserved position in the protein, it is predicted to be benign by multiple in silico algorithms, and/or has population frequency not consistent with disease.

PreventionGenetics, part of Exact Sciences
Classification: Benign. Review status: criteria provided, single submitter. Criteria: ACMG Guidelines, 2015. Collection method: clinical testing. Allele origin: germline.

Natera, Inc.
Classification: Likely benign for Citrullinemia type I. Last evaluated: 2017-05-05. Review status: no assertion criteria provided. Collection method: clinical testing. Allele origin: germline. Not counted in ClinVar's aggregate classification.